The following is an entry in ClinVar:

NM_000179.3(MSH6):c.2552_2607del (p.Ser851fs)

Gene: MSH6 (mutS homolog 6; plus strand). Cytogenetic location: 2p16.3.
Variant type: Deletion.
Coding change: c.2552_2607del on transcript NM_000179.3 (MANE Select); coding-DNA positions 2552 to 2607, 56 bases deleted.
Protein change: p.Ser851fs; shifts the reading frame from serine 851.
Molecular consequence: frameshift variant.
Genome position (GRCh38, 1-based): chr2:47,800,535-47,800,590, 56 bases deleted. GRCh37 (hg19): chr2:48,027,674-48,027,729.
Other names: c.2162_2217del, p.Ser721fs (NM_001281492.2); c.1646_1701del, p.Ser549fs (NM_001281493.2, NM_001281494.2); short protein forms S549fs, S721fs, S851fs.
Identifiers: ClinVar variation 940579 (VCV000940579.8), dbSNP rs1669478924, ClinGen allele CA1139655876.

ClinVar aggregate classification (germline): Pathogenic (1 of 4 stars; one submission).

Conditions:
Hereditary nonpolyposis colorectal neoplasms. Identifiers: MedGen C0009405, MeSH D003123.

Submission:

Labcorp Genetics (formerly Invitae), Labcorp
Classification: Pathogenic for Hereditary nonpolyposis colorectal neoplasms. Last evaluated: 2019-10-11. Review status: criteria provided, single submitter. Criteria: Invitae Variant Classification Sherloc (09022015). Collection method: clinical testing. Allele origin: germline.
Comment: This sequence change creates a premature translational stop signal (p.Ser851Lysfs*11) in the MSH6 gene. It is expected to result in an absent or disrupted protein product. This variant is not present in population databases (ExAC no frequency). This variant has not been reported in the literature in individuals with MSH6-related conditions. Loss-of-function variants in MSH6 are known to be pathogenic (PMID: 18269114, 24362816). For these reasons, this variant has been classified as Pathogenic.

Literature cited by the submitters: PubMed 18269114; PubMed 24362816.